The following is an entry in ClinVar:

ClinVar aggregate classification (germline): Uncertain significance (1 of 4 stars; one submission).

Submission:

GeneDx
Classification: Uncertain significance. Last evaluated: 2025-04-03. Review status: criteria provided, single submitter. Criteria: GeneDx Variant Classification Process June 2021. Collection method: clinical testing. Allele origin: germline.
Comment: Not observed at significant frequency in large population cohorts (gnomAD); In silico analysis supports that this missense variant has a deleterious effect on protein structure/function; Has not been previously published as pathogenic or benign to our knowledge

NM_002547.3(OPHN1):c.1320G>T (p.Trp440Cys)

Gene: OPHN1 (oligophrenin 1; minus strand). Cytogenetic location: Xq12.
Variant type: single nucleotide variant.
Coding change: c.1320G>T on transcript NM_002547.3 (MANE Select); coding-DNA position 1320, G replaced by T.
Protein change: p.Trp440Cys; replaces tryptophan 440 with cysteine.
Molecular consequence: missense variant.
Genome position (GRCh38, 1-based): chrX:68,119,289, C>A on the plus strand (G>T on the coding strand, the complement: OPHN1 is on the minus strand). VCF-style: chrX-68119289-C-A. GRCh37 (hg19) VCF-style: chrX-67339131-C-A.
Other names: short protein forms W440C.
Identifiers: ClinVar variation 2499954 (VCV002499954.2), dbSNP rs2519704605, ClinGen allele CA413432030.